The following is an entry in ClinVar:

NM_007294.4(BRCA1):c.3968A>G (p.Gln1323Arg)

Genes: BRCA1 (BRCA1 DNA repair associated; minus strand), LOC126862571 (BRD4-independent group 4 enhancer GRCh37_chr17:41243136-41244335; plus strand). Cytogenetic location: 17q21.31.
Variant type: single nucleotide variant.
Coding change: c.3968A>G on transcript NM_007294.4 (MANE Select); coding-DNA position 3968, A replaced by G.
Protein change: p.Gln1323Arg; replaces glutamine 1323 with arginine.
Molecular consequence: missense variant. On other transcripts: intron variant (135).
Genome position (GRCh38, 1-based): chr17:43,091,563, T>C on the plus strand (A>G on the coding strand, the complement: BRCA1 is on the minus strand). VCF-style: chr17-43091563-T-C. GRCh37 (hg19) VCF-style: chr17-41243580-T-C.
Other names: c.3755A>G, p.Gln1252Arg (NM_001407571.1, NM_001407853.1, NM_001407894.1 and 9 more transcripts); c.3968A>G, p.Gln1323Arg (NM_001407581.1, NM_001407582.1, NM_001407583.1 and 30 more transcripts); c.3965A>G, p.Gln1322Arg (NM_001407587.1, NM_001407590.1, NM_001407591.1 and 22 more transcripts); c.3959A>G, p.Gln1320Arg (NM_001407646.1, NM_001407647.1); c.3845A>G, p.Gln1282Arg (NM_001407648.1, NM_001407664.1, NM_001407665.1 and 19 more transcripts); c.3842A>G, p.Gln1281Arg (NM_001407649.1, NM_001407670.1, NM_001407671.1 and 11 more transcripts); c.3890A>G, p.Gln1297Arg (NM_001407653.1, NM_001407654.1, NM_001407655.1 and 4 more transcripts); c.3887A>G, p.Gln1296Arg (NM_001407659.1, NM_001407660.1, NM_001407661.1 and 1 more transcripts); and 41 more; short protein forms Q1195R, Q1234R, Q1256R, Q1281R, Q1296R, Q1322R, Q1323R, Q455R.
Identifiers: ClinVar variation 2004721 (VCV002004721.7), dbSNP rs2154273653, ClinGen allele CA10594033.
Genomic context (GRCh38, chr17:43,091,563, plus strand): 5'-TCTGAAACCAATTCCTTGTCACTCAGACCAACTCCCTGGCTTTCAGACTGATGCCTCATT[T>C]GTTTGGAAGAACCAATCAAGAAAGGATCCTGGGTGTTTGTATTTGCAGTCAAGTCTTCCA-3'
Protein context (NP_009225.1, residues 1313-1333): QDPFLIGSSK[Gln1323Arg]MRHQSESQGV

ClinVar aggregate classification (germline): Conflicting classifications of pathogenicity. Review status: criteria provided, conflicting classifications (1 of 4 stars). 3 submissions from 3 submitters: Uncertain significance (1); Likely benign (2). Last evaluated 2026-08-16.

Conditions:
Hereditary cancer-predisposing syndrome. Also called: Hereditary neoplastic syndrome; Neoplastic Syndromes, Hereditary; Tumor predisposition; Hereditary Cancer Syndrome. Identifiers: Orphanet 140162, MedGen C0027672, MeSH D009386, MONDO:0015356.
Hereditary breast ovarian cancer syndrome. Also called: Hereditary breast and ovarian cancer syndrome (HBOC); Hereditary breast and ovarian cancer; Breast and ovarian cancer; Hereditary breast and/or ovarian cancer syndrome; Hereditary breast and ovarian cancer syndrome; BRCA1- and BRCA2-Associated Hereditary Breast and Ovarian Cancer. Identifiers: Orphanet 145, MedGen C0677776, MeSH D061325, MONDO:0003582. Disease mechanism: loss of function.

Submissions (3):

Ambry Genetics
Classification: Likely benign for Hereditary cancer-predisposing syndrome. Last evaluated: 2026-08-16. Review status: criteria provided, single submitter. Criteria: Ambry Variant Classification Scheme 2023. Collection method: clinical testing. Allele origin: germline.

University of Washington Department of Laboratory Medicine, University of Washington
Classification: Likely benign for Hereditary cancer-predisposing syndrome. Last evaluated: 2023-03-23. Review status: criteria provided, single submitter. Criteria: Dines et al. (Genet Med. 2020). Collection method: curation. Allele origin: germline.
Comment: Missense variant in a coldspot region where missense variants are very unlikely to be pathogenic (PMID:31911673).

BRCA1 coldspot (exon 11 using historical exon numbering). Reclassification based on statistical prior probability

Labcorp Genetics (formerly Invitae), Labcorp
Classification: Uncertain significance for Hereditary breast ovarian cancer syndrome. Last evaluated: 2022-06-11. Review status: criteria provided, single submitter. Criteria: Invitae Variant Classification Sherloc (09022015). Collection method: clinical testing. Allele origin: germline.
Comment: This variant has not been reported in the literature in individuals affected with BRCA1-related conditions. This variant is not present in population databases (gnomAD no frequency). This sequence change replaces glutamine, which is neutral and polar, with arginine, which is basic and polar, at codon 1323 of the BRCA1 protein (p.Gln1323Arg). Advanced modeling of protein sequence and biophysical properties (such as structural, functional, and spatial information, amino acid conservation, physicochemical variation, residue mobility, and thermodynamic stability) performed at Invitae indicates that this missense variant is not expected to disrupt BRCA1 protein function. In summary, the available evidence is currently insufficient to determine the role of this variant in disease. Therefore, it has been classified as a Variant of Uncertain Significance.